The following is an entry in ClinVar:

NM_001370100.5(ZMYND11):c.1206_1207del (p.Ser403fs)

Gene: ZMYND11 (zinc finger MYND-type containing 11; plus strand). Cytogenetic location: 10p15.3.
Variant type: Deletion.
Coding change: c.1206_1207del on transcript NM_001370100.5 (MANE Select); coding-DNA positions 1206 to 1207, 2 bases deleted (AA; older notation c.1206_1207delAA).
Protein change: p.Ser403fs; shifts the reading frame from serine 403.
Molecular consequence: frameshift variant. On other transcripts: non-coding transcript variant (1), intron variant (2).
Genome position (GRCh38, 1-based): chr10:247,445-247,446, AA deleted; deleting any 2 consecutive bases within chr10:247,444-247,446 gives the same sequence; the c. name uses the placement nearest the transcript's 3' end. VCF-style (leftmost placement, unchanged base first): chr10-247443-CAA-C. GRCh37 (hg19) VCF-style: chr10-293383-CAA-C.
Other names: c.1080+472_1080+473del (NM_001370119.2); c.1158+472_1158+473del (NM_001370117.2); c.1044_1045del, p.Ser349fs (NM_001202464.3, NM_001202467.1, NM_001370103.2 and 6 more transcripts); c.951_952del, p.Ser318fs (NM_001202465.3, NM_001370110.2); c.1041_1042del, p.Ser348fs (NM_001202466.3, NM_001370111.2); c.1206_1207del, p.Ser403fs (NM_001202468.1, NM_001370097.3, NM_001370098.2 and 4 more transcripts); c.1155_1156del, p.Ser386fs (NM_001330057.3, NM_001370112.2); c.978_979del, p.Ser327fs (NM_001370120.2); and 8 more; short protein forms S246fs, S284fs, S301fs, S309fs, S318fs, S327fs, S348fs, S349fs.
Identifiers: ClinVar variation 3898610 (VCV003898610.7).

ClinVar aggregate classification (germline): Pathogenic (1 of 4 stars; one submission).

Submission:

CeGaT Center for Human Genetics Tuebingen
Classification: Pathogenic. Last evaluated: 2026-06-01. Review status: criteria provided, single submitter. Criteria: CeGaT Center For Human Genetics Tuebingen Variant Classification Criteria Version 2. Collection method: clinical testing. Allele origin: germline. Affected: yes. Observed: 2 variant alleles.
Comment: ZMYND11: PVS1, PM2